The following is an entry in ClinVar:

NM_001854.4(COL11A1):c.4032+5G>A

Gene: COL11A1 (collagen type XI alpha 1 chain; minus strand). Cytogenetic location: 1p21.1.
Variant type: single nucleotide variant.
Coding change: c.4032+5G>A on transcript NM_001854.4 (MANE Select); 5 bases into the intron after coding-DNA position 4032, G replaced by A.
Molecular consequence: intron variant.
Genome position (GRCh38, 1-based): chr1:102,913,632, C>T on the plus strand (G>A on the coding strand, the complement: COL11A1 is on the minus strand). VCF-style: chr1-102913632-C-T. GRCh37 (hg19) VCF-style: chr1-103379188-C-T.
Other names: c.3915+5G>A (NM_001190709.2); c.4068+5G>A (NM_080629.3); c.3684+5G>A (NM_080630.4).
Identifiers: ClinVar variation 1024562 (VCV001024562.10), dbSNP rs770333147, ClinGen allele CA973721.

ClinVar aggregate classification (germline): Uncertain significance. Review status: criteria provided, multiple submitters, no conflicts (2 of 4 stars). 2 submissions from 2 submitters: Uncertain significance (2). Last evaluated 2026-09-09.

Allele frequency attached by ClinVar (database versions not stated): gnomAD exomes 0.00003 and 0.00001; ExAC 0.00003; TOPMed below 0.00001.
gnomAD v4.1: 10 of 1,612,718 alleles (0.00062%); highest among the groups gnomAD compares: Admixed American, 0.013%; no homozygotes.

Submissions (2):

GeneDx
Classification: Uncertain significance. Last evaluated: 2026-09-09. Review status: criteria provided, single submitter. Criteria: GeneDx Variant Classification Process June 2021. Collection method: clinical testing. Allele origin: germline.
Comment: In silico analysis suggests that this variant does not alter splicing; Has not been previously published as pathogenic or benign to our knowledge

Labcorp Genetics (formerly Invitae), Labcorp
Classification: Uncertain significance. Last evaluated: 2026-01-26. Review status: criteria provided, single submitter. Criteria: Invitae Variant Classification Sherloc (09022015). Collection method: clinical testing. Allele origin: germline.
Comment: This sequence change falls in intron 53 of the COL11A1 gene. It does not directly change the encoded amino acid sequence of the COL11A1 protein. It affects a nucleotide within the consensus splice site. This variant is present in population databases (rs770333147, gnomAD 0.02%). This variant has not been reported in the literature in individuals affected with COL11A1-related conditions. ClinVar contains an entry for this variant (Variation ID: 1024562). Variants that disrupt the consensus splice site are a relatively common cause of aberrant splicing (PMID: 17576681, 9536098). Algorithms developed to predict the effect of sequence changes on RNA splicing suggest that this variant is not likely to affect RNA splicing. In summary, the available evidence is currently insufficient to determine the role of this variant in disease. Therefore, it has been classified as a Variant of Uncertain Significance.

Literature cited by the submitters: PubMed 17576681 (cited by Labcorp Genetics (formerly Invitae), Labcorp); PubMed 9536098 (cited by Labcorp Genetics (formerly Invitae), Labcorp).